The following is an entry in ClinVar:

NM_018706.7(DHTKD1):c.2261T>A (p.Val754Asp)

Gene: DHTKD1 (dehydrogenase E1 and transketolase domain containing 1; plus strand). Cytogenetic location: 10p14.
Variant type: single nucleotide variant.
Coding change: c.2261T>A on transcript NM_018706.7 (MANE Select); coding-DNA position 2261, T replaced by A.
Protein change: p.Val754Asp; replaces valine 754 with aspartic acid.
Molecular consequence: missense variant.
Genome position (GRCh38, 1-based): chr10:12,113,006, T>A. VCF-style: chr10-12113006-T-A. GRCh37 (hg19) VCF-style: chr10-12155005-T-A.
Other names: short protein forms V754D.
Identifiers: ClinVar variation 2856557 (VCV002856557.3), dbSNP rs2491513788, ClinGen allele CA376013635.
Genomic context (GRCh38, chr10:12,113,006, plus strand): 5'-TGTTTGTGGTTCACCCAACAACTCCTGCACAGTATTTCCACTTGCTTAGGAGACAGATGG[T>A]CCGGAACTTCAGAAAACCACTCATTGTTGCTTCCCCTAAGATGTTACTCAGGCTCCCGGT-3'
Protein context (NP_061176.4, residues 744-764): QYFHLLRRQM[Val754Asp]RNFRKPLIVA

ClinVar aggregate classification (germline): Uncertain significance (1 of 4 stars; one submission).

Conditions:
2-aminoadipic 2-oxoadipic aciduria (AAKAD). Also called: Aminoadipic aciduria; ALPHA-AMINOADIPIC AND ALPHA-KETOADIPIC ACIDURIA. Identifiers: Orphanet 79154, MedGen C1859817, MONDO:0008774, OMIM 204750.

Submission:

Labcorp Genetics (formerly Invitae), Labcorp
Classification: Uncertain significance for 2-aminoadipic 2-oxoadipic aciduria. Last evaluated: 2023-04-15. Review status: criteria provided, single submitter. Criteria: Invitae Variant Classification Sherloc (09022015). Collection method: clinical testing. Allele origin: germline.
Comment: In summary, the available evidence is currently insufficient to determine the role of this variant in disease. Therefore, it has been classified as a Variant of Uncertain Significance. Advanced modeling of protein sequence and biophysical properties (such as structural, functional, and spatial information, amino acid conservation, physicochemical variation, residue mobility, and thermodynamic stability) performed at Invitae indicates that this missense variant is not expected to disrupt DHTKD1 protein function. This variant has not been reported in the literature in individuals affected with DHTKD1-related conditions. This variant is not present in population databases (gnomAD no frequency). This sequence change replaces valine, which is neutral and non-polar, with aspartic acid, which is acidic and polar, at codon 754 of the DHTKD1 protein (p.Val754Asp).